The following is an entry in ClinVar:

NM_138295.5(PKD1L1):c.7381G>A (p.Ala2461Thr)

Genes: PKD1L1 (polycystin 1 like 1, transient receptor potential channel interacting; minus strand), PKD1L1-AS1 (PKD1L1 antisense RNA 1; plus strand). Cytogenetic location: 7p12.3.
Variant type: single nucleotide variant.
Coding change: c.7381G>A on transcript NM_138295.5 (MANE Select); coding-DNA position 7381, G replaced by A.
Protein change: p.Ala2461Thr; replaces alanine 2461 with threonine.
Molecular consequence: missense variant.
Genome position (GRCh38, 1-based): chr7:47,812,017, C>T on the plus strand (G>A on the coding strand, the complement: PKD1L1 is on the minus strand). VCF-style: chr7-47812017-C-T. GRCh37 (hg19) VCF-style: chr7-47851615-C-T.
Other names: short protein forms A2461T.
Identifiers: ClinVar variation 1722863 (VCV001722863.3), dbSNP rs1784908814, ClinGen allele CA367471553.

ClinVar aggregate classification (germline): Uncertain significance (1 of 4 stars; one submission).

Allele frequency attached by ClinVar (database versions not stated): gnomAD exomes below 0.00001.
gnomAD v4.1: 4 of 1,577,768 alleles (0.00025%); highest among the groups gnomAD compares: Non-Finnish European, 0.00034%; no homozygotes.

Submission:

GeneDx
Classification: Uncertain significance. Last evaluated: 2026-01-25. Review status: criteria provided, single submitter. Criteria: GeneDx Variant Classification Process June 2021. Collection method: clinical testing. Allele origin: germline. Affected: yes.
Comment: Has not been previously published as pathogenic or benign to our knowledge; In silico analysis suggests that this missense variant does not alter protein structure/function; Not observed at significant frequency in large population cohorts (gnomAD)